The following is an entry in ClinVar:

NM_001077525.3(MTMR14):c.1313G>C (p.Ser438Thr)

Gene: MTMR14 (myotubularin related protein 14; plus strand). Cytogenetic location: 3p25.3.
Variant type: single nucleotide variant.
Coding change: c.1313G>C on transcript NM_001077525.3 (MANE Select); coding-DNA position 1313, G replaced by C.
Protein change: p.Ser438Thr; replaces serine 438 with threonine.
Molecular consequence: missense variant.
Genome position (GRCh38, 1-based): chr3:9,688,962, G>C. VCF-style: chr3-9688962-G-C. GRCh37 (hg19) VCF-style: chr3-9730646-G-C.
Other names: c.1313G>C, p.Ser438Thr (NM_001077526.3, NM_022485.5); short protein forms S438T.
Identifiers: ClinVar variation 1442620 (VCV001442620.6), dbSNP rs1462518741, ClinGen allele CA351698280.

ClinVar aggregate classification (germline): Uncertain significance (1 of 4 stars; one submission).

Allele frequency attached by ClinVar (database versions not stated): gnomAD 0.00001; gnomAD exomes 0.00001.
gnomAD v4.1: 5 of 1,613,898 alleles (0.00031%); highest among the groups gnomAD compares: Admixed American, 0.0017%; no homozygotes.

Submission:

Labcorp Genetics (formerly Invitae), Labcorp
Classification: Uncertain significance. Last evaluated: 2021-09-14. Review status: criteria provided, single submitter. Criteria: Invitae Variant Classification Sherloc (09022015). Collection method: clinical testing. Allele origin: germline.
Comment: This sequence change replaces serine with threonine at codon 438 of the MTMR14 protein (p.Ser438Thr). The serine residue is highly conserved and there is a small physicochemical difference between serine and threonine. This variant is not present in population databases (ExAC no frequency). This variant has not been reported in the literature in individuals affected with MTMR14-related conditions. Algorithms developed to predict the effect of missense changes on protein structure and function are either unavailable or do not agree on the potential impact of this missense change (SIFT: "Tolerated"; PolyPhen-2: "Possibly Damaging"; Align-GVGD: "Class C0"). In summary, the available evidence is currently insufficient to determine the role of this variant in disease. Therefore, it has been classified as a Variant of Uncertain Significance.